The following is an entry in ClinVar:

ClinVar aggregate classification (germline): Uncertain significance. Review status: criteria provided, single submitter (1 of 4 stars). 2 submissions from 2 submitters: Uncertain significance (1). 1 of the submissions does not count toward it. Last evaluated 2022-02-02.

Conditions:
Joubert syndrome. Also called: Familial aplasia of the vermis; CEREBELLOPARENCHYMAL DISORDER IV; JOUBERT-BOLTSHAUSER SYNDROME. Identifiers: Orphanet 475, MedGen C5979921, MONDO:0018772.
Meckel-Gruber syndrome. Also called: Dysencephalia splachnocystica; DYSENCEPHALIA SPLANCHNOCYSTICA; GRUBER SYNDROME. Identifiers: Orphanet 564, MedGen C0265215, MONDO:0018921.

Allele frequency attached by ClinVar (database versions not stated): gnomAD exomes below 0.00001 and 0.00001; ExAC 0.00002; TOPMed 0.00003; gnomAD 0.00004.

Submissions (2):

Labcorp Genetics (formerly Invitae), Labcorp
Classification: Uncertain significance for Joubert syndrome; Meckel-Gruber syndrome. Last evaluated: 2022-02-02. Review status: criteria provided, single submitter. Criteria: Invitae Variant Classification Sherloc (09022015). Collection method: clinical testing. Allele origin: germline.
Comment: This sequence change replaces aspartic acid, which is acidic and polar, with glycine, which is neutral and non-polar, at codon 543 of the RPGRIP1L protein (p.Asp543Gly). This variant is present in population databases (rs776600721, gnomAD 0.02%). This variant has not been reported in the literature in individuals affected with RPGRIP1L-related conditions. ClinVar contains an entry for this variant (Variation ID: 1034973). Algorithms developed to predict the effect of missense changes on protein structure and function (SIFT, PolyPhen-2, Align-GVGD) all suggest that this variant is likely to be tolerated. Algorithms developed to predict the effect of sequence changes on RNA splicing suggest that this variant may create or strengthen a splice site. In summary, the available evidence is currently insufficient to determine the role of this variant in disease. Therefore, it has been classified as a Variant of Uncertain Significance.

Natera, Inc.
Classification: Uncertain significance for Joubert syndrome. Last evaluated: 2021-08-07. Review status: no assertion criteria provided. Collection method: clinical testing. Allele origin: germline. Not counted in ClinVar's aggregate classification.

NM_015272.5(RPGRIP1L):c.1628A>G (p.Asp543Gly)

Gene: RPGRIP1L (RPGRIP1 like; minus strand). Cytogenetic location: 16q12.2.
Variant type: single nucleotide variant.
Coding change: c.1628A>G on transcript NM_015272.5 (MANE Select); coding-DNA position 1628, A replaced by G.
Protein change: p.Asp543Gly; replaces aspartic acid 543 with glycine.
Molecular consequence: missense variant.
Genome position (GRCh38, 1-based): chr16:53,656,543, T>C on the plus strand (A>G on the coding strand, the complement: RPGRIP1L is on the minus strand). VCF-style: chr16-53656543-T-C. GRCh37 (hg19) VCF-style: chr16-53690455-T-C.
Other names: c.1628A>G, p.Asp543Gly (NM_001127897.4, NM_001308334.3, NM_001330538.2); short protein forms D543G.
Identifiers: ClinVar variation 1034973 (VCV001034973.7), dbSNP rs776600721, ClinGen allele CA8057748.